The following is an entry in ClinVar:

NM_022124.6(CDH23):c.4796T>C (p.Phe1599Ser)

Gene: CDH23 (cadherin related 23; plus strand). Cytogenetic location: 10q22.1.
Variant type: single nucleotide variant.
Coding change: c.4796T>C on transcript NM_022124.6 (MANE Select); coding-DNA position 4796, T replaced by C.
Protein change: p.Phe1599Ser; replaces phenylalanine 1599 with serine.
Molecular consequence: missense variant.
Genome position (GRCh38, 1-based): chr10:71,741,872, T>C. VCF-style: chr10-71741872-T-C. GRCh37 (hg19) VCF-style: chr10-73501629-T-C.
Other names: short protein forms F1599S.
Identifiers: ClinVar variation 1719997 (VCV001719997.5), dbSNP rs2494221451, ClinGen allele CA377130370.
Genomic context (GRCh38, chr10:71,741,872, plus strand): 5'-ACCGCATCAGCGGTGAGATCGCCACACGGCCTGCCCCGCCTGACCGCGAGCGCCAGAGCT[T>C]CTACCACCTGGTGGCCACTGTGGAGGACGAGGGCACCCCAACCCTGTCGGTGAGCGATGG-3'
Protein context (NP_071407.4, residues 1589-1609): PAPPDRERQS[Phe1599Ser]YHLVATVEDE

ClinVar aggregate classification (germline): Uncertain significance (1 of 4 stars; one submission).

Submission:

Labcorp Genetics (formerly Invitae), Labcorp
Classification: Uncertain significance. Last evaluated: 2022-09-21. Review status: criteria provided, single submitter. Criteria: Invitae Variant Classification Sherloc (09022015). Collection method: clinical testing. Allele origin: germline.
Comment: Advanced modeling of protein sequence and biophysical properties (such as structural, functional, and spatial information, amino acid conservation, physicochemical variation, residue mobility, and thermodynamic stability) performed at Invitae indicates that this missense variant is not expected to disrupt CDH23 protein function. In summary, the available evidence is currently insufficient to determine the role of this variant in disease. Therefore, it has been classified as a Variant of Uncertain Significance. This variant has not been reported in the literature in individuals affected with CDH23-related conditions. This variant is not present in population databases (gnomAD no frequency). This sequence change replaces phenylalanine, which is neutral and non-polar, with serine, which is neutral and polar, at codon 1599 of the CDH23 protein (p.Phe1599Ser).